The following is an entry in ClinVar:

NM_004972.4(JAK2):c.2886+71G>A

Genes: INSL6 (insulin like 6; minus strand), JAK2 (Janus kinase 2; plus strand). Cytogenetic location: 9p24.1.
Variant type: single nucleotide variant.
Coding change: c.2886+71G>A on transcript NM_004972.4 (MANE Select); 71 bases into the intron after coding-DNA position 2886, G replaced by A.
Molecular consequence: intron variant.
Genome position (GRCh38, 1-based): chr9:5,090,641, G>A. VCF-style: chr9-5090641-G-A. GRCh37 (hg19) VCF-style: chr9-5090641-G-A.
Other names: c.2886+71G>A (NM_001322194.2, NM_001322195.2, NM_001322196.2); c.1671+71G>A (NM_001322198.2, NM_001322199.2); c.2439+71G>A (NM_001322204.2).
Identifiers: ClinVar variation 1287656 (VCV001287656.4), dbSNP rs10974955, ClinGen allele CA13080767.

ClinVar aggregate classification (germline): Benign. Review status: criteria provided, multiple submitters, no conflicts (2 of 4 stars). 3 submissions from 3 submitters: Benign (3). Last evaluated 2024-01-24.

Allele frequency attached by ClinVar (database versions not stated): gnomAD exomes 0.22630; 1000 Genomes Project 0.25958; 1000 Genomes Project 30x 0.26530; gnomAD 0.26711 and 0.27222; TOPMed 0.27338.
gnomAD v4.1: 350,518 of 1,517,634 alleles (23%); highest among the groups gnomAD compares: African/African-American, 37%; 41,750 homozygotes.

Submissions (3):

Unidad de Genómica Garrahan, Hospital de Pediatría Garrahan
Classification: Benign. Last evaluated: 2024-01-24. Review status: criteria provided, single submitter. Criteria: ACMG Guidelines, 2015. Collection method: clinical testing. Allele origin: germline. Affected: no. Observed: 30 variant alleles.
Comment: This variant is classified as Benign based on local population frequency. This variant was detected in 34% of patients studied by a panel of primary immunodeficiencies. Number of patients: 30. Only high quality variants are reported.

GeneDx
Classification: Benign. Last evaluated: 2018-11-12. Review status: criteria provided, single submitter. Criteria: GeneDx Variant Classification Process June 2021. Collection method: clinical testing. Allele origin: germline. Affected: yes.

Breakthrough Genomics
Classification: Benign. Review status: criteria provided, single submitter. Criteria: ACMG Guidelines, 2015. Collection method: not provided. Allele origin: germline. Inheritance: Autosomal dominant inheritance. Affected: yes.